The following is an entry in ClinVar:

NM_000883.4(IMPDH1):c.620G>T (p.Ser207Ile)

Gene: IMPDH1 (inosine monophosphate dehydrogenase 1; minus strand). Cytogenetic location: 7q32.1.
Variant type: single nucleotide variant.
Coding change: c.620G>T on transcript NM_000883.4 (MANE Select); coding-DNA position 620, G replaced by T.
Protein change: p.Ser207Ile; replaces serine 207 with isoleucine.
Molecular consequence: missense variant.
Genome position (GRCh38, 1-based): chr7:128,400,499, C>A on the plus strand (G>T on the coding strand, the complement: IMPDH1 is on the minus strand). VCF-style: chr7-128400499-C-A. GRCh37 (hg19) VCF-style: chr7-128040553-C-A.
Other names: c.590G>T, p.Ser197Ile (NM_001102605.2); c.365G>T, p.Ser122Ile (NM_001142573.2); c.350G>T, p.Ser117Ile (NM_001142574.2); c.290G>T, p.Ser97Ile (NM_001142575.2); c.521G>T, p.Ser174Ile (NM_001142576.2); c.413G>T, p.Ser138Ile (NM_001304521.2); c.512G>T, p.Ser171Ile (NM_183243.3); short protein forms S171I, S117I, S138I, S207I, S122I, S174I, S197I, S97I.
Identifiers: ClinVar variation 2741337 (VCV002741337.3), dbSNP rs751976679, ClinGen allele CA4471094.

ClinVar aggregate classification (germline): Uncertain significance (1 of 4 stars; one submission).

Allele frequency attached by ClinVar (database versions not stated): ExAC 0.00001; gnomAD 0.00001.
gnomAD v4.1: 1 of 1,612,802 alleles (0.000062%); highest among the groups gnomAD compares: Non-Finnish European, 0.000085%; no homozygotes.

Submission:

Labcorp Genetics (formerly Invitae), Labcorp
Classification: Uncertain significance. Last evaluated: 2023-07-10. Review status: criteria provided, single submitter. Criteria: Invitae Variant Classification Sherloc (09022015). Collection method: clinical testing. Allele origin: germline.
Comment: The frequency data for this variant in the population databases is considered unreliable, as metrics indicate poor data quality at this position in the gnomAD database. In summary, the available evidence is currently insufficient to determine the role of this variant in disease. Therefore, it has been classified as a Variant of Uncertain Significance. An algorithm developed to predict the effect of missense changes on protein structure and function (PolyPhen-2) suggests that this variant is likely to be disruptive. This variant has not been reported in the literature in individuals affected with IMPDH1-related conditions. This sequence change replaces serine, which is neutral and polar, with isoleucine, which is neutral and non-polar, at codon 207 of the IMPDH1 protein (p.Ser207Ile).